The following is an entry in ClinVar:

NM_020949.3(SLC7A14):c.542-1G>A

Genes: SLC7A14 (solute carrier family 7 member 14; minus strand), SLC7A14-AS1 (SLC7A14 antisense RNA 1; plus strand). Cytogenetic location: 3q26.2.
Variant type: single nucleotide variant.
Coding change: c.542-1G>A on transcript NM_020949.3 (MANE Select); the canonical splice acceptor site of the intron before coding-DNA position 542, G replaced by A.
Molecular consequence: splice acceptor variant.
Genome position (GRCh38, 1-based): chr3:170,498,885, C>T on the plus strand (G>A on the coding strand, the complement: SLC7A14 is on the minus strand). VCF-style: chr3-170498885-C-T. GRCh37 (hg19) VCF-style: chr3-170216674-C-T.
Identifiers: ClinVar variation 3676811 (VCV003676811.2).
Genomic context (GRCh38, chr3:170,498,885, plus strand): 5'-TGGTCACGATGACCGCGATCAACAGAGCCAGAAGGTCTGGGTATGATTCTTCACCTTTCC[C>T]TAGAGAGGAAAGACATGATTTGACATTGTCTGGAGGGAAGAAAGGGCCATGCAAACTCCT-3'

ClinVar aggregate classification (germline): Uncertain significance (1 of 4 stars; one submission).

gnomAD v4.1: 7 of 1,613,808 alleles (0.00043%); highest among the groups gnomAD compares: African/African-American, 0.0013%; no homozygotes.

Submission:

Labcorp Genetics (formerly Invitae), Labcorp
Classification: Uncertain significance. Last evaluated: 2024-08-07. Review status: criteria provided, single submitter. Criteria: Invitae Variant Classification Sherloc (09022015). Collection method: clinical testing. Allele origin: germline.
Comment: This sequence change affects an acceptor splice site in intron 3 of the SLC7A14 gene. It is expected to disrupt RNA splicing. Variants that disrupt the donor or acceptor splice site typically lead to a loss of protein function (PMID: 16199547), however the current clinical and genetic evidence is not sufficient to establish whether loss-of-function variants in SLC7A14 cause disease. This variant is present in population databases (no rsID available, gnomAD 0.0009%). This variant has not been reported in the literature in individuals affected with SLC7A14-related conditions. Algorithms developed to predict the effect of sequence changes on RNA splicing suggest that this variant may disrupt the consensus splice site. In summary, the available evidence is currently insufficient to determine the role of this variant in disease. Therefore, it has been classified as a Variant of Uncertain Significance.

Literature cited by the submitters: PubMed 16199547.